The following is an entry in ClinVar:

ClinVar aggregate classification (germline): Uncertain significance (1 of 4 stars; one submission).

Conditions:
Tuberous sclerosis 1 (TSC1). Identifiers: Orphanet 805, MedGen C1854465, MONDO:0008612, OMIM 191100.

Submission:

Labcorp Genetics (formerly Invitae), Labcorp
Classification: Uncertain significance for Tuberous sclerosis 1. Last evaluated: 2025-01-11. Review status: criteria provided, single submitter. Criteria: Invitae Variant Classification Sherloc (09022015). Collection method: clinical testing. Allele origin: germline.
Comment: This sequence change replaces serine, which is neutral and polar, with tyrosine, which is neutral and polar, at codon 487 of the TSC1 protein (p.Ser487Tyr). This variant is not present in population databases (gnomAD no frequency). This variant has not been reported in the literature in individuals affected with TSC1-related conditions. ClinVar contains an entry for this variant (Variation ID: 1373945). Invitae Evidence Modeling of protein sequence and biophysical properties (such as structural, functional, and spatial information, amino acid conservation, physicochemical variation, residue mobility, and thermodynamic stability) indicates that this missense variant is not expected to disrupt TSC1 protein function with a negative predictive value of 95%. In summary, the available evidence is currently insufficient to determine the role of this variant in disease. Therefore, it has been classified as a Variant of Uncertain Significance.

NM_000368.5(TSC1):c.1460C>A (p.Ser487Tyr)

Gene: TSC1 (TSC complex subunit 1; minus strand). Cytogenetic location: 9q34.13.
Variant type: single nucleotide variant.
Coding change: c.1460C>A on transcript NM_000368.5 (MANE Select); coding-DNA position 1460, C replaced by A.
Protein change: p.Ser487Tyr; replaces serine 487 with tyrosine.
Molecular consequence: missense variant.
Genome position (GRCh38, 1-based): chr9:132,906,118, G>T on the plus strand (C>A on the coding strand, the complement: TSC1 is on the minus strand). VCF-style: chr9-132906118-G-T. GRCh37 (hg19) VCF-style: chr9-135781505-G-T.
Other names: c.1457C>A, p.Ser486Tyr (NM_001162426.2); c.1307C>A, p.Ser436Tyr (NM_001162427.2); c.1097C>A, p.Ser366Tyr (NM_001362177.2); short protein forms S366Y, S487Y, S436Y, S486Y.
Identifiers: ClinVar variation 1373945 (VCV001373945.6), dbSNP rs118203532, ClinGen allele CA375365537.